The following is an entry in ClinVar:

NM_000834.5(GRIN2B):c.2866G>A (p.Glu956Lys)

Gene: GRIN2B (glutamate ionotropic receptor NMDA type subunit 2B; minus strand). Cytogenetic location: 12p13.1.
Variant type: single nucleotide variant.
Coding change: c.2866G>A on transcript NM_000834.5 (MANE Select); coding-DNA position 2866, G replaced by A.
Protein change: p.Glu956Lys; replaces glutamic acid 956 with lysine.
Molecular consequence: missense variant.
Genome position (GRCh38, 1-based): chr12:13,564,372, C>T on the plus strand (G>A on the coding strand, the complement: GRIN2B is on the minus strand). VCF-style: chr12-13564372-C-T. GRCh37 (hg19) VCF-style: chr12-13717306-C-T.
Other names: short protein forms E956K.
Identifiers: ClinVar variation 2008695 (VCV002008695.4), dbSNP rs886049101, ClinGen allele CA10632287.

ClinVar aggregate classification (germline): Uncertain significance (1 of 4 stars; one submission).

Conditions:
Developmental and epileptic encephalopathy, 27 (DEE27). Also called: GRIN2B-Related Neurodevelopmental Disorder; Epileptic encephalopathy, early infantile, 27. Identifiers: Orphanet 3451, MedGen C4015316, MONDO:0014505, OMIM 616139.
Intellectual developmental disorder, autosomal dominant 6, with or without seizures. Also called: GRIN2B-related developmental delay, intellectual disability and autism spectrum disorder; Intellectual disability, autosomal dominant 6. Identifiers: Orphanet 589547, MedGen C3151411, MONDO:0013509, OMIM 613970.

Allele frequency attached by ClinVar (database versions not stated): gnomAD exomes below 0.00001.
gnomAD v4.1: 2 of 1,614,212 alleles (0.00012%); highest among the groups gnomAD compares: Non-Finnish European, 0.00017%; no homozygotes.

Submission:

Labcorp Genetics (formerly Invitae), Labcorp
Classification: Uncertain significance for Developmental and epileptic encephalopathy, 27; Intellectual developmental disorder, autosomal dominant 6, with or without seizures. Last evaluated: 2022-06-20. Review status: criteria provided, single submitter. Criteria: Invitae Variant Classification Sherloc (09022015). Collection method: clinical testing. Allele origin: germline.
Comment: This variant has not been reported in the literature in individuals affected with GRIN2B-related conditions. In summary, the available evidence is currently insufficient to determine the role of this variant in disease. Therefore, it has been classified as a Variant of Uncertain Significance. Algorithms developed to predict the effect of missense changes on protein structure and function are either unavailable or do not agree on the potential impact of this missense change (SIFT: "Tolerated"; PolyPhen-2: "Possibly Damaging"; Align-GVGD: "Class C0"). This variant is not present in population databases (gnomAD no frequency). This sequence change replaces glutamic acid, which is acidic and polar, with lysine, which is basic and polar, at codon 956 of the GRIN2B protein (p.Glu956Lys).